The following is an entry in ClinVar:

NM_001371928.1(AHDC1):c.4266C>T (p.Cys1422=)

Gene: AHDC1 (AT-hook DNA binding motif containing 1; minus strand). Cytogenetic location: 1p36.11.
Variant type: single nucleotide variant.
Coding change: c.4266C>T on transcript NM_001371928.1 (MANE Select); coding-DNA position 4266, C replaced by T.
Protein change: p.Cys1422=; no amino-acid change (cysteine 1422 retained).
Molecular consequence: synonymous variant.
Genome position (GRCh38, 1-based): chr1:27,547,850, G>A on the plus strand (C>T on the coding strand, the complement: AHDC1 is on the minus strand). VCF-style: chr1-27547850-G-A. GRCh37 (hg19) VCF-style: chr1-27874361-G-A.
Other names: c.4266C>T, p.Cys1422= (NM_001029882.3); c.4266C>T (NM_001029882.2).
Identifiers: ClinVar variation 737188 (VCV000737188.21), dbSNP rs375964883, ClinGen allele CA715394.

ClinVar aggregate classification (germline): Likely benign. Review status: criteria provided, multiple submitters, no conflicts (2 of 4 stars). 4 submissions from 4 submitters: Likely benign (4). Last evaluated 2025-11-17.

Allele frequency attached by ClinVar (database versions not stated): gnomAD 0.00005 and 0.00006; ESP Exome Variant Server 0.00008; TOPMed 0.00010; ExAC 0.00013.
gnomAD v4.1: 82 of 1,547,704 alleles (0.0053%); highest among the groups gnomAD compares: Middle Eastern, 0.021%; no homozygotes.

Submissions (4):

Labcorp Genetics (formerly Invitae), Labcorp
Classification: Likely benign. Last evaluated: 2025-11-17. Review status: criteria provided, single submitter. Criteria: Invitae Variant Classification Sherloc (09022015). Collection method: clinical testing. Allele origin: germline.

CeGaT Center for Human Genetics Tuebingen
Classification: Likely benign. Last evaluated: 2025-06-01. Review status: criteria provided, single submitter. Criteria: CeGaT Center For Human Genetics Tuebingen Variant Classification Criteria Version 2. Collection method: clinical testing. Allele origin: germline. Affected: yes. Observed: 1 variant allele.
Comment: AHDC1: BP4, BP7

GeneDx
Classification: Likely benign. Last evaluated: 2021-07-28. Review status: criteria provided, single submitter. Criteria: GeneDx Variant Classification Process June 2021. Collection method: clinical testing. Allele origin: germline. Affected: yes.

Breakthrough Genomics
Classification: Likely benign. Review status: criteria provided, single submitter. Criteria: ACMG Guidelines, 2015. Collection method: not provided. Allele origin: germline. Inheritance: Autosomal dominant inheritance. Affected: yes.